The following is an entry in ClinVar:

NM_001008212.2(OPTN):c.1568C>A (p.Ala523Glu)

Gene: OPTN (optineurin; plus strand). Cytogenetic location: 10p13.
Variant type: single nucleotide variant.
Coding change: c.1568C>A on transcript NM_001008212.2 (MANE Select); coding-DNA position 1568, C replaced by A.
Protein change: p.Ala523Glu; replaces alanine 523 with glutamic acid.
Molecular consequence: missense variant.
Genome position (GRCh38, 1-based): chr10:13,133,537, C>A. VCF-style: chr10-13133537-C-A. GRCh37 (hg19) VCF-style: chr10-13175537-C-A.
Other names: c.1568C>A, p.Ala523Glu (NM_001008211.1, NM_001008213.1, NM_021980.4); short protein forms A523E.
Identifiers: ClinVar variation 2634945 (VCV002634945.4), dbSNP rs747569110, ClinGen allele CA5411020.

ClinVar aggregate classification (germline): Uncertain significance. Review status: criteria provided, multiple submitters, no conflicts (2 of 4 stars). 2 submissions from 2 submitters: Uncertain significance (2). Last evaluated 2025-10-17.

Conditions:
Primary open angle glaucoma (POAG). Also called: OPTN-related open angle glaucoma. Identifiers: MedGen C0339573, MONDO:0100553, OMIM 137760.
Amyotrophic lateral sclerosis type 12 (ALS12). Also called: AMYOTROPHIC LATERAL SCLEROSIS 12 WITH OR WITHOUT FRONTOTEMPORAL DEMENTIA. Identifiers: Orphanet 803, MedGen C3150692, MONDO:0013264, OMIM 613435.
Glaucoma 1, open angle, E. Identifiers: MedGen C1842026, MONDO:0007665.
OPTN-related disorder. Also called: OPTN-related condition; OPTN-related disorders.

Allele frequency attached by ClinVar (database versions not stated): ExAC 0.00001.
gnomAD v4.1: 7 of 1,614,064 alleles (0.00043%); highest among the groups gnomAD compares: Admixed American, 0.005%; no homozygotes.

Submissions (2):

PreventionGenetics, part of Exact Sciences
Classification: Uncertain significance for OPTN-related condition. Last evaluated: 2025-10-17. Review status: criteria provided, single submitter. Criteria: ACMG Guidelines, 2015. Collection method: clinical testing. Allele origin: germline.
Comment: The OPTN c.1568C>A variant is predicted to result in the amino acid substitution p.Ala523Glu. To our knowledge, this variant has not been reported in the literature. This variant is reported in 0.0023% of alleles in individuals of European (Non-Finnish) descent in gnomAD. At this time, the clinical significance of this variant is uncertain due to the absence of conclusive functional and genetic evidence.

Labcorp Genetics (formerly Invitae), Labcorp
Classification: Uncertain significance for Primary open angle glaucoma; Glaucoma 1, open angle, E; Amyotrophic lateral sclerosis type 12. Last evaluated: 2025-08-20. Review status: criteria provided, single submitter. Criteria: Invitae Variant Classification Sherloc (09022015). Collection method: clinical testing. Allele origin: germline.
Comment: This sequence change replaces alanine, which is neutral and non-polar, with glutamic acid, which is acidic and polar, at codon 523 of the OPTN protein (p.Ala523Glu). This variant is present in population databases (rs747569110, gnomAD 0.002%). This variant has not been reported in the literature in individuals affected with OPTN-related conditions. ClinVar contains an entry for this variant (Variation ID: 2634945). Invitae Evidence Modeling of protein sequence and biophysical properties (such as structural, functional, and spatial information, amino acid conservation, physicochemical variation, residue mobility, and thermodynamic stability) indicates that this missense variant is not expected to disrupt OPTN protein function with a negative predictive value of 80%. In summary, the available evidence is currently insufficient to determine the role of this variant in disease. Therefore, it has been classified as a Variant of Uncertain Significance.